The following is an entry in ClinVar:

ClinVar aggregate classification (germline): Benign. Review status: criteria provided, multiple submitters, no conflicts (2 of 4 stars). 2 submissions from 2 submitters: Benign (2). Last evaluated 2018-01-12.

Conditions:
Peroxisome biogenesis disorder 5A (Zellweger) (PBD5A). Identifiers: Orphanet 912, MedGen C3553940, MONDO:0013932, OMIM 614866.

Allele frequency attached by ClinVar (database versions not stated): gnomAD 0.98132 and 0.98172; 1000 Genomes Project 30x 0.98517; 1000 Genomes Project 0.98582; TOPMed 0.98634; gnomAD exomes 1.00000.
gnomAD v4.1: 149,497 of 152,314 alleles (98%); highest among the groups gnomAD compares: Middle Eastern, 99%; 73,385 homozygotes.

Submissions (2):

Illumina Laboratory Services, Illumina
Classification: Benign for Peroxisome biogenesis disorder 5A (Zellweger). Last evaluated: 2018-01-12. Review status: criteria provided, single submitter. Criteria: ICSL Variant Classification Criteria 13 December 2019. Collection method: clinical testing. Allele origin: germline.
Comment: This variant was observed in the ICSL laboratory as part of a predisposition screen in an ostensibly healthy population. It had not been previously curated by ICSL or reported in the Human Gene Mutation Database (HGMD: prior to June 1st, 2018), and was therefore a candidate for classification through an automated scoring system. Utilizing variant allele frequency, disease prevalence and penetrance estimates, and inheritance mode, an automated score was calculated to assess if this variant is too frequent to cause the disease. Based on the score and internal cut-off values, a variant classified as benign is not then subjected to further curation. The score for this variant resulted in a classification of benign for this disease.

Breakthrough Genomics
Classification: Benign. Review status: criteria provided, single submitter. Criteria: ACMG Guidelines, 2015. Collection method: not provided. Allele origin: germline. Inheritance: Autosomal recessive inheritance. Affected: yes.

NM_000318.3(PEX2):c.*1194A>G

Gene: PEX2 (peroxisomal biogenesis factor 2; minus strand). Cytogenetic location: 8q21.13.
Variant type: single nucleotide variant.
Coding change: c.*1194A>G on transcript NM_000318.3 (MANE Select); 1194 bases downstream of the stop codon, A replaced by G.
Molecular consequence: 3 prime UTR variant.
Genome position (GRCh38, 1-based): chr8:76,982,067, T>C on the plus strand (A>G on the coding strand, the complement: PEX2 is on the minus strand). VCF-style: chr8-76982067-T-C. GRCh37 (hg19) VCF-style: chr8-77894303-T-C.
Other names: c.*1194A>G (NM_001079867.2, NM_001172086.2, NM_001172087.2).
Identifiers: ClinVar variation 363798 (VCV000363798.6), dbSNP rs4311633, ClinGen allele CA10631571.